The following is an entry in ClinVar:

NM_004727.3(SLC24A1):c.1702G>A (p.Asp568Asn)

Gene: SLC24A1 (solute carrier family 24 member 1; plus strand). Cytogenetic location: 15q22.31.
Variant type: single nucleotide variant.
Coding change: c.1702G>A on transcript NM_004727.3 (MANE Select); coding-DNA position 1702, G replaced by A.
Protein change: p.Asp568Asn; replaces aspartic acid 568 with asparagine.
Molecular consequence: missense variant.
Genome position (GRCh38, 1-based): chr15:65,625,782, G>A. VCF-style: chr15-65625782-G-A. GRCh37 (hg19) VCF-style: chr15-65918120-G-A.
Other names: c.1702G>A, p.Asp568Asn (NM_001301031.1, NM_001301032.1, NM_001301033.2); short protein forms D568N.
Identifiers: ClinVar variation 1410793 (VCV001410793.7), dbSNP rs1286542943, ClinGen allele CA392918338.

ClinVar aggregate classification (germline): Uncertain significance. Review status: criteria provided, multiple submitters, no conflicts (2 of 4 stars). 2 submissions from 2 submitters: Uncertain significance (2). Last evaluated 2022-03-08.

Allele frequency attached by ClinVar (database versions not stated): gnomAD exomes below 0.00001.
gnomAD v4.1: 3 of 1,613,984 alleles (0.00019%); highest among the groups gnomAD compares: Middle Eastern, 0.016%; no homozygotes.

Submissions (2):

Blueprint Genetics
Classification: Uncertain significance. Last evaluated: 2022-03-08. Review status: criteria provided, single submitter. Criteria: ACMG Guidelines, 2015. Collection method: clinical testing. Allele origin: germline.

Labcorp Genetics (formerly Invitae), Labcorp
Classification: Uncertain significance. Last evaluated: 2021-08-11. Review status: criteria provided, single submitter. Criteria: Invitae Variant Classification Sherloc (09022015). Collection method: clinical testing. Allele origin: germline.
Comment: This sequence change replaces aspartic acid with asparagine at codon 568 of the SLC24A1 protein (p.Asp568Asn). The aspartic acid residue is highly conserved and there is a small physicochemical difference between aspartic acid and asparagine. In summary, the available evidence is currently insufficient to determine the role of this variant in disease. Therefore, it has been classified as a Variant of Uncertain Significance. Algorithms developed to predict the effect of missense changes on protein structure and function are either unavailable or do not agree on the potential impact of this missense change (SIFT: "Tolerated"; PolyPhen-2: "Probably Damaging"; Align-GVGD: "Class C0"). This variant has not been reported in the literature in individuals affected with SLC24A1-related conditions. This variant is not present in population databases (ExAC no frequency).